The following is an entry in ClinVar:

ClinVar aggregate classification (germline): Uncertain significance (1 of 4 stars; one submission).

gnomAD v4.1: 15 of 1,613,070 alleles (0.00093%); highest among the groups gnomAD compares: East Asian, 0.0022%; 1 homozygote.

Submission:

CeGaT Center for Human Genetics Tuebingen
Classification: Uncertain significance. Last evaluated: 2024-07-01. Review status: criteria provided, single submitter. Criteria: CeGaT Center For Human Genetics Tuebingen Variant Classification Criteria Version 2. Collection method: clinical testing. Allele origin: germline. Affected: yes. Observed: 1 variant allele.
Comment: OTOF: PM2

NM_194248.3(OTOF):c.1861A>G (p.Met621Val)

Gene: OTOF (otoferlin; minus strand). Cytogenetic location: 2p23.3.
Variant type: single nucleotide variant.
Coding change: c.1861A>G on transcript NM_194248.3 (MANE Select); coding-DNA position 1861, A replaced by G.
Protein change: p.Met621Val; replaces methionine 621 with valine.
Molecular consequence: missense variant.
Genome position (GRCh38, 1-based): chr2:26,480,254, T>C on the plus strand (A>G on the coding strand, the complement: OTOF is on the minus strand). VCF-style: chr2-26480254-T-C. GRCh37 (hg19) VCF-style: chr2-26703122-T-C.
Other names: c.1861A>G, p.Met621Val (NM_001287489.2); short protein forms M621V.
Identifiers: ClinVar variation 3257276 (VCV003257276.17).